The following is an entry in ClinVar:

NM_001256863.1(USP17L22):c.870G>A (p.Lys290=)

Gene: USP17L22 (ubiquitin specific peptidase 17 like family member 22; plus strand). Cytogenetic location: 4p16.1.
Variant type: single nucleotide variant.
Coding change: c.870G>A on transcript NM_001256863.1 (MANE Select); coding-DNA position 870, G replaced by A.
Protein change: p.Lys290=; no amino-acid change (lysine 290 retained).
Molecular consequence: synonymous variant.
Genome position (GRCh38, 1-based): chr4:9,268,488, G>A. VCF-style: chr4-9268488-G-A. GRCh37 (hg19) VCF-style: chr4-9270214-G-A.
Identifiers: ClinVar variation 2654663 (VCV002654663.24), dbSNP rs1486067715, ClinGen allele CA438685915.

ClinVar aggregate classification (germline): Likely benign (1 of 4 stars; one submission).

Submission:

CeGaT Center for Human Genetics Tuebingen
Classification: Likely benign. Last evaluated: 2023-10-01. Review status: criteria provided, single submitter. Criteria: CeGaT Center For Human Genetics Tuebingen Variant Classification Criteria Version 2. Collection method: clinical testing. Allele origin: germline. Affected: yes. Observed: 1 variant allele.
Comment: USP17L22: BP4, BP7